The following is an entry in ClinVar:

NM_001358530.2(MOCS1):c.896G>T (p.Gly299Val)

Gene: MOCS1 (molybdenum cofactor synthesis 1; minus strand). Cytogenetic location: 6p21.2.
Variant type: single nucleotide variant.
Coding change: c.896G>T on transcript NM_001358530.2 (MANE Select); coding-DNA position 896, G replaced by T.
Protein change: p.Gly299Val; replaces glycine 299 with valine.
Molecular consequence: missense variant. On other transcripts: non-coding transcript variant (1).
Genome position (GRCh38, 1-based): chr6:39,912,349, C>A on the plus strand (G>T on the coding strand, the complement: MOCS1 is on the minus strand). VCF-style: chr6-39912349-C-A. GRCh37 (hg19) VCF-style: chr6-39880093-C-A.
Other names: c.896G>T, p.Gly299Val (NM_001075098.4, NM_001358529.2, NM_005943.6); c.635G>T, p.Gly212Val (NM_001358531.2, NM_001358533.2, NM_001358534.2); short protein forms G299V, G212V.
Identifiers: ClinVar variation 1409167 (VCV001409167.6), dbSNP rs2149402956, ClinGen allele CA364043202.

ClinVar aggregate classification (germline): Uncertain significance (1 of 4 stars; one submission).

Conditions:
Sulfite oxidase deficiency due to molybdenum cofactor deficiency type A. Also called: Molybdenum cofactor deficiency, complementation group A; Molybdenum Cofactor Deficiency A. Identifiers: Orphanet 308386, Orphanet 833, MedGen C1854988, MONDO:0009643, OMIM 252150.

Submission:

Labcorp Genetics (formerly Invitae), Labcorp
Classification: Uncertain significance for Sulfite oxidase deficiency due to molybdenum cofactor deficiency type A. Last evaluated: 2021-08-05. Review status: criteria provided, single submitter. Criteria: Invitae Variant Classification Sherloc (09022015). Collection method: clinical testing. Allele origin: germline.
Comment: This sequence change replaces glycine with valine at codon 299 of the MOCS1 protein (p.Gly299Val). The glycine residue is highly conserved and there is a moderate physicochemical difference between glycine and valine. This variant is not present in population databases (ExAC no frequency). This variant has not been reported in the literature in individuals affected with MOCS1-related conditions. Algorithms developed to predict the effect of missense changes on protein structure and function (SIFT, PolyPhen-2, Align-GVGD) all suggest that this variant is likely to be disruptive. In summary, the available evidence is currently insufficient to determine the role of this variant in disease. Therefore, it has been classified as a Variant of Uncertain Significance.